The following is an entry in ClinVar:

ClinVar aggregate classification (germline): Likely pathogenic. Review status: criteria provided, single submitter (1 of 4 stars). 2 submissions from 2 submitters: Likely pathogenic (1). 1 of the submissions does not count toward it. Last evaluated 2019-02-19.

Conditions:
Snijders Blok-Campeau syndrome. Also called: INTELLECTUAL DEVELOPMENTAL DISORDER WITH MACROCEPHALY, SPEECH DELAY, AND DYSMORPHIC FACIES. Identifiers: Orphanet 599082, MedGen C4748701, MONDO:0032600, OMIM 618205.
Intellectual disability. Also called: Intellectual functioning disability; intellectual disabilities; Intellectual developmental disorder. Identifiers: MedGen C3714756, MeSH D008607, MONDO:0001071, HP:0001249.

Submissions (2):

SIB Swiss Institute of Bioinformatics
Classification: Likely pathogenic for Snijders Blok-Campeau syndrome. Last evaluated: 2019-02-19. Review status: criteria provided, single submitter. Criteria: ACMG Guidelines, 2015. Collection method: curation. Allele origin: unknown.
Comment: This variant is interpreted as a Likely pathogenic for Snijders Blok-Campeau syndrome, autosomal dominant. The following ACMG Tag(s) were applied: PM2 : Absent from controls (or at extremely low frequency if recessive) in Exome Sequencing Project, 1000 Genomes Project, or Exome Aggregation Consortium. PM6 : Assumed de novo, but without confirmation of paternity and maternity (PMID:30397230). PM1-supporting : PM1 downgraded in strength to Supporting. PP2 : Missense variant in a gene that has a low rate of benign missense variation and in which missense variants are a common mechanism of disease. PP3 : Multiple lines of computational evidence support a deleterious effect on the gene or gene product.

CHU Sainte-Justine Research Center, University of Montreal
Classification: Likely pathogenic for Intellectual disability. Last evaluated: 2018-05-03. Review status: no assertion criteria provided. Collection method: research. Allele origin: germline. Affected: yes. Not counted in ClinVar's aggregate classification.

Literature cited by the submitters: PubMed 30397230 (cited by SIB Swiss Institute of Bioinformatics).

NM_001005273.3(CHD3):c.3482A>G (p.His1161Arg)

Gene: CHD3 (chromodomain helicase DNA binding protein 3; plus strand). Cytogenetic location: 17p13.1.
Variant type: single nucleotide variant.
Coding change: c.3482A>G on transcript NM_001005273.3 (MANE Select); coding-DNA position 3482, A replaced by G.
Protein change: p.His1161Arg; replaces histidine 1161 with arginine.
Molecular consequence: missense variant.
Genome position (GRCh38, 1-based): chr17:7,903,048, A>G. VCF-style: chr17-7903048-A-G. GRCh37 (hg19) VCF-style: chr17-7806366-A-G.
Other names: c.3659A>G, p.His1220Arg (NM_001005271.3); c.3482A>G, p.His1161Arg (NM_005852.4); short protein forms H1161R, H1220R.
Identifiers: ClinVar variation 549740 (VCV000549740.2), dbSNP rs1567860919, ClinGen allele CA397941980.